The following is an entry in ClinVar:

ClinVar aggregate classification (germline): Benign/Likely benign. Review status: criteria provided, multiple submitters, no conflicts (2 of 4 stars). 11 submissions from 8 submitters: Benign (4); Likely benign (3). 4 of the submissions do not count toward it. Last evaluated 2025-12-16.

Conditions:
FGFR1-related disorder. Also called: FGFR1-related disorders; FGFR1-related condition. Identifiers: MedGen CN380097.
Osteoglophonic dysplasia (OGD). Also called: Osteoglophonic dwarfism. Identifiers: Orphanet 2645, MedGen C0432283, MONDO:0008150, OMIM 166250.
Hypogonadotropic hypogonadism 2 with or without anosmia (HH2). Also called: HYPOGONADOTROPIC HYPOGONADISM 2 WITHOUT ANOSMIA; HYPOGONADOTROPIC HYPOGONADISM 2 WITH OR WITHOUT ANOSMIA, SUSCEPTIBILITY TO; HYPOGONADOTROPIC HYPOGONADISM 2 WITHOUT ANOSMIA, SUSCEPTIBILITY TO; FGFR1-Related GnRH Deficiency (Kallmann Syndrome 2). Identifiers: Orphanet 478, MedGen C1563720, MONDO:0007844, OMIM 147950. Disease mechanism: loss of function.
Pfeiffer syndrome (ACS5). Also called: ACS V. Identifiers: Orphanet 710, MedGen C0220658, MONDO:0007043, OMIM 101600.
Trigonocephaly 1 (TRIGNO1). Identifiers: Orphanet 3366, MedGen C0432122, MONDO:0008603, OMIM 190440.
Craniosynostosis syndrome. Also called: Craniosynostosis. Identifiers: Orphanet 1531, MedGen C0010278, MeSH D003398, MONDO:0015469, HP:0001363.

Allele frequency attached by ClinVar (database versions not stated): gnomAD 0.00010; ExAC 0.00018; gnomAD exomes 0.00018; TOPMed 0.00019; ESP Exome Variant Server 0.00023.
gnomAD v4.1: 229 of 1,613,296 alleles (0.014%); highest among the groups gnomAD compares: Admixed American, 0.08%; 1 homozygote.

Submissions (11):

Labcorp Genetics (formerly Invitae), Labcorp
Classification: Benign for Pfeiffer syndrome; Hypogonadotropic hypogonadism 2 with or without anosmia. Last evaluated: 2025-12-16. Review status: criteria provided, single submitter. Criteria: Invitae Variant Classification Sherloc (09022015). Collection method: clinical testing. Allele origin: germline.

Blueprint Genetics
Classification: Likely benign. Last evaluated: 2024-06-10. Review status: criteria provided, single submitter. Criteria: ACMG Guidelines, 2015. Collection method: clinical testing. Allele origin: germline.

GeneDx
Classification: Likely benign. Last evaluated: 2021-07-24. Review status: criteria provided, single submitter. Criteria: GeneDx Variant Classification Process June 2021. Collection method: clinical testing. Allele origin: germline. Affected: yes.

Illumina Laboratory Services, Illumina
Classification: Benign for Craniosynostosis. Last evaluated: 2018-01-13. Review status: criteria provided, single submitter. Criteria: ICSL Variant Classification Criteria 13 December 2019. Collection method: clinical testing. Allele origin: germline.
Comment: This variant was observed in the ICSL laboratory as part of a predisposition screen in an ostensibly healthy population. It had not been previously curated by ICSL or reported in the Human Gene Mutation Database (HGMD: prior to June 1st, 2018), and was therefore a candidate for classification through an automated scoring system. Utilizing variant allele frequency, disease prevalence and penetrance estimates, and inheritance mode, an automated score was calculated to assess if this variant is too frequent to cause the disease. Based on the score and internal cut-off values, a variant classified as benign is not then subjected to further curation. The score for this variant resulted in a classification of benign for this disease.

Illumina Laboratory Services, Illumina
Classification: Benign for Osteoglophonic dysplasia. Last evaluated: 2018-01-13. Review status: criteria provided, single submitter. Criteria: ICSL Variant Classification Criteria 13 December 2019. Collection method: clinical testing. Allele origin: germline.
Comment: the same text as in the submission from Illumina Laboratory Services, Illumina above.

Illumina Laboratory Services, Illumina
Classification: Likely benign for Hypogonadotropic hypogonadism 2 with or without anosmia. Last evaluated: 2018-01-13. Review status: criteria provided, single submitter. Criteria: ICSL Variant Classification Criteria 13 December 2019. Collection method: clinical testing. Allele origin: germline.
Comment: This variant was observed in the ICSL laboratory as part of a predisposition screen in an ostensibly healthy population. It had not been previously curated by ICSL or reported in the Human Gene Mutation Database (HGMD: prior to June 1st, 2018), and was therefore a candidate for classification through an automated scoring system. Utilizing variant allele frequency, disease prevalence and penetrance estimates, and inheritance mode, an automated score was calculated to assess if this variant is too frequent to cause the disease. Based on the score and internal cut-off values, a variant classified as likely benign is not then subjected to further curation. The score for this variant resulted in a classification of likely benign for this disease.

Illumina Laboratory Services, Illumina
Classification: Benign for Trigonocephaly 1. Last evaluated: 2018-01-13. Review status: criteria provided, single submitter. Criteria: ICSL Variant Classification Criteria 13 December 2019. Collection method: clinical testing. Allele origin: germline.
Comment: the same text as in the submission from Illumina Laboratory Services, Illumina above.

Genetic Services Laboratory, University of Chicago
Classification: Likely benign. Last evaluated: 2022-12-16. Review status: no assertion criteria provided. Collection method: clinical testing. Allele origin: germline. Affected: no. Not counted in ClinVar's aggregate classification.

PreventionGenetics, part of Exact Sciences
Classification: Likely benign for FGFR1-related condition. Last evaluated: 2019-08-07. Review status: no assertion criteria provided. Collection method: clinical testing. Allele origin: germline. Not counted in ClinVar's aggregate classification.
Comment: This variant is classified as likely benign based on ACMG/AMP sequence variant interpretation guidelines (Richards et al. 2015 PMID: 25741868, with internal and published modifications).

Clinical Genetics DNA and cytogenetics Diagnostics Lab, Erasmus MC, Erasmus Medical Center
Classification: Likely benign. Review status: no assertion criteria provided. Collection method: clinical testing. Allele origin: germline. Affected: yes. Study: VKGL Data-share Consensus. Not counted in ClinVar's aggregate classification.

Clinical Genetics, Academic Medical Center
Classification: Benign. Review status: no assertion criteria provided. Collection method: clinical testing. Allele origin: germline. Affected: yes. Study: VKGL Data-share Consensus. Not counted in ClinVar's aggregate classification.

NM_023110.3(FGFR1):c.75G>A (p.Pro25=)

Gene: FGFR1 (fibroblast growth factor receptor 1; minus strand). Cytogenetic location: 8p11.23.
Variant type: single nucleotide variant.
Coding change: c.75G>A on transcript NM_023110.3 (MANE Select); coding-DNA position 75, G replaced by A.
Protein change: p.Pro25=; no amino-acid change (proline 25 retained).
Molecular consequence: synonymous variant. On other transcripts: 5 prime UTR variant (1).
Genome position (GRCh38, 1-based): chr8:38,457,372, C>T on the plus strand (G>A on the coding strand, the complement: FGFR1 is on the minus strand). VCF-style: chr8-38457372-C-T. GRCh37 (hg19) VCF-style: chr8-38314890-C-T.
Other names: c.75G>A, p.Pro25= (NM_001174063.2, NM_001174065.2, NM_001174066.2 and 7 more transcripts); c.-18G>A (NM_001174064.2); c.174G>A, p.Pro58= (NM_001174067.2).
Identifiers: ClinVar variation 362911 (VCV000362911.19), dbSNP rs17175757, ClinGen allele CA4718941.
Genomic context (GRCh38, chr8:38,457,372, plus strand): 5'-TCCCAAGGCCCAGGAGTCCAGGCTGCCCCCAGCCAGCACCTTACCTTGTTCAGGCAAGGT[C>T]GGGGACGGCCTAGCGGTGCAGAGTGTGGCTGTGACCAGCACAGCCCAGAAGAGGAGGCAC-3'
Protein context (NP_075598.2, residues 15-35): TATLCTARPS[Pro25=]TLPEQAQPWG